The following is an entry in ClinVar:

ClinVar aggregate classification (germline): Uncertain significance (1 of 4 stars; one submission).

Conditions:
Neurodegeneration, childhood-onset, with cerebellar atrophy. Identifiers: MedGen C4748934, MONDO:0032650, OMIM 618276.

Submission:

Baylor Genetics
Classification: Uncertain significance for Neurodegeneration, childhood-onset, with cerebellar atrophy. Last evaluated: 2019-08-17. Review status: criteria provided, single submitter. Criteria: ACMG Guidelines, 2015. Collection method: clinical testing. Allele origin: unknown. Affected: yes.
Comment: This variant was determined to be of uncertain significance according to ACMG Guidelines, 2015 [PMID:25741868].

NM_001330701.2(AGTPBP1):c.437-3C>A

Gene: AGTPBP1 (ATP/GTP binding carboxypeptidase 1; minus strand). Cytogenetic location: 9q21.33.
Variant type: single nucleotide variant.
Coding change: c.437-3C>A on transcript NM_001330701.2 (MANE Select); 3 bases into the intron before coding-DNA position 437, C replaced by A.
Molecular consequence: intron variant.
Genome position (GRCh38, 1-based): chr9:85,672,684, G>T on the plus strand (C>A on the coding strand, the complement: AGTPBP1 is on the minus strand). VCF-style: chr9-85672684-G-T. GRCh37 (hg19) VCF-style: chr9-88287599-G-T.
Other names: c.593-3C>A (NM_001286717.1, NM_001286715.1); c.437-3C>A (NM_015239.3).
Identifiers: ClinVar variation 1029298 (VCV001029298.1), dbSNP rs1164094345, ClinGen allele CA588719295.